The following is an entry in ClinVar:

ClinVar aggregate classification (germline): Uncertain significance. Review status: criteria provided, multiple submitters, no conflicts (2 of 4 stars). 3 submissions from 3 submitters: Uncertain significance (3). Last evaluated 2024-03-06.

Conditions:
Catecholaminergic polymorphic ventricular tachycardia (CVPT). Also called: Catecholamine-induced polymorphic ventricular tachycardia. Identifiers: Orphanet 3286, MedGen C5574922, MONDO:0017990.
Cardiomyopathy (CMYO). Also called: Cardiomyopathies. Identifiers: Orphanet 167848, MedGen C0878544, MONDO:0004994, HP:0001638. Inheritance: Various modes of inheritance.
Catecholaminergic polymorphic ventricular tachycardia 1. Also called: VENTRICULAR TACHYCARDIA, CATECHOLAMINERGIC POLYMORPHIC, 1, WITH OR WITHOUT ATRIAL DYSFUNCTION AND/OR DILATED CARDIOMYOPATHY; RYR2-Related Catecholaminergic Polymorphic Ventricular Tachycardia; VENTRICULAR TACHYCARDIA, STRESS-INDUCED POLYMORPHIC 1. Identifiers: Orphanet 3286, MedGen C1631597, MONDO:0011484, OMIM 604772.

Allele frequency attached by ClinVar (database versions not stated): gnomAD exomes below 0.00001; TOPMed below 0.00001; gnomAD 0.00001.
gnomAD v4.1: 7 of 1,610,118 alleles (0.00043%); highest among the groups gnomAD compares: Non-Finnish European, 0.00059%; no homozygotes.

Submissions (3):

Color Diagnostics, LLC DBA Color Health
Classification: Uncertain significance for Cardiomyopathy. Last evaluated: 2024-03-06. Review status: criteria provided, single submitter. Criteria: ACMG Guidelines, 2015. Collection method: clinical testing. Allele origin: germline.
Comment: This variant is located in the RYR2 protein. Computational prediction suggests that this variant may not impact protein structure and function (internally defined REVEL score threshold <= 0.5, PMID: 27666373). To our knowledge, functional studies have not been reported for this variant. This variant has not been reported in individuals affected with RYR2-related disorders in the literature. This variant has been identified in 2/280326 chromosomes in the general population by the Genome Aggregation Database (gnomAD). The available evidence is insufficient to determine the role of this variant in disease conclusively. Therefore, this variant is classified as a Variant of Uncertain Significance.

Labcorp Genetics (formerly Invitae), Labcorp
Classification: Uncertain significance for Catecholaminergic polymorphic ventricular tachycardia 1. Last evaluated: 2024-03-04. Review status: criteria provided, single submitter. Criteria: Invitae Variant Classification Sherloc (09022015). Collection method: clinical testing. Allele origin: germline.
Comment: This sequence change replaces threonine, which is neutral and polar, with asparagine, which is neutral and polar, at codon 3541 of the RYR2 protein (p.Thr3541Asn). This variant is present in population databases (no rsID available, gnomAD 0.002%). This variant has not been reported in the literature in individuals affected with RYR2-related conditions. ClinVar contains an entry for this variant (Variation ID: 920740). Advanced modeling of protein sequence and biophysical properties (such as structural, functional, and spatial information, amino acid conservation, physicochemical variation, residue mobility, and thermodynamic stability) performed at Invitae indicates that this missense variant is not expected to disrupt RYR2 protein function with a negative predictive value of 95%. In summary, the available evidence is currently insufficient to determine the role of this variant in disease. Therefore, it has been classified as a Variant of Uncertain Significance.

All of Us Research Program, National Institutes of Health
Classification: Uncertain significance for Catecholaminergic polymorphic ventricular tachycardia. Last evaluated: 2023-06-26. Review status: criteria provided, single submitter. Criteria: ACMG Guidelines, 2015. Collection method: clinical testing. Allele origin: germline. Inheritance: Autosomal dominant inheritance. Observed: 1 variant allele, 1 heterozygote.
Comment: Variant of Uncertain Significance due to insufficient evidence: This missense variant is located in the cytoplasmic domain of the RYR2 protein. Computational prediction tools and conservation analyses are inconclusive regarding the impact of this variant on the protein function. Computational splicing tools suggest that this variant may not impact RNA splicing. To our knowledge, functional assays have not been performed for this variant nor has this variant been reported in individuals affected with cardiovascular disorders in the literature. This variant has been identified in 2/276858 chromosomes in the general population by the Genome Aggregation Database (gnomAD). Available evidence is insufficient to determine the role of this variant in disease conclusively.

This study involves interpretation of variants in research participants for the purpose of population health screening. Participant phenotype was not available at the time of variant classification. Additional details can be found in publication PMID: 35346344, PMCID: PMC8962531

NM_001035.3(RYR2):c.10622C>A (p.Thr3541Asn)

Gene: RYR2 (ryanodine receptor 2; plus strand). Cytogenetic location: 1q43.
Variant type: single nucleotide variant.
Coding change: c.10622C>A on transcript NM_001035.3 (MANE Select); coding-DNA position 10622, C replaced by A.
Protein change: p.Thr3541Asn; replaces threonine 3541 with asparagine.
Molecular consequence: missense variant.
Genome position (GRCh38, 1-based): chr1:237,723,195, C>A. VCF-style: chr1-237723195-C-A. GRCh37 (hg19) VCF-style: chr1-237886495-C-A.
Other names: short protein forms T3541N.
Identifiers: ClinVar variation 920740 (VCV000920740.8), dbSNP rs1169415432, ClinGen allele CA345416116.
Genomic context (GRCh38, chr1:237,723,195, plus strand): 5'-ATCCTGCTATTAGATGGCAAATGGCTCTTTACAAAGACTTACCAAACAGGACTGATGATA[C>A]CTCAGATCCAGAGAAGACGGTAGAAAGAGTATTGGATATAGCAAATGTGCTTTTTCATCT-3'
Protein context (NP_001026.2, residues 3531-3551): YKDLPNRTDD[Thr3541Asn]SDPEKTVERV